The following is an entry in ClinVar:

ClinVar aggregate classification (germline): Likely pathogenic. Review status: no assertion criteria provided (0 of 4 stars). 2 submissions from 2 submitters: Likely pathogenic (2). Last evaluated 2024-01-06.

Conditions:
Dilated cardiomyopathy 1G (CMD1G). Identifiers: Orphanet 154, MedGen C1858763, MONDO:0011400, OMIM 604145.

Submissions (2):

Cardiogenetics and Myogenetics Molecular and Cellular Functional Unit, Aphp Sorbonne University-Hopital Pitie Salpetriere
Classification: Likely pathogenic for Dilated cardiomyopathy 1G. Last evaluated: 2024-01-06. Review status: no assertion criteria provided. Collection method: clinical testing. Allele origin: germline. Affected: yes.

Diagnostics Centre, Carl Von Ossietzky University Oldenburg
Classification: Likely pathogenic for Dilated cardiomyopathy 1G. Last evaluated: 2023-05-09. Review status: no assertion criteria provided. Collection method: clinical testing. Allele origin: germline. Affected: yes. Observed: 1 variant allele.
Comment: The variant TTN:c.61067del, p.(Pro20356Hisfs*8), which is located in the coding exon 304 of the TTN gene, results from a deletion of a guanine at nucleotide position 61067. The variant causes a frameshift that results in the replace of a proline residue by a hystidine at protein position 20356, followed by a premature translation stop codon after eight amino acids. The variant affects and exon (304/363) that is present in biologically relevant transcripts and it is predicted to cause protein truncation/absent due to non-sense mediated decay in a gene where loss of function is a known mechanism of disease. The change is located in the front third of the A-band of titin. Heterozygous alterations affecting the A-band are associated with cardiomyopathies (PMID: 32815318). The variant is classified as very rare in the overall population (no carriers in gnomAD, v4.0.0). In summary, this variant is classified as Likely Pathogenic.

Literature cited by the submitters: PubMed 32815318 (cited by Diagnostics Centre, Carl Von Ossietzky University Oldenburg).

NM_001267550.2(TTN):c.61067del (p.Pro20356fs)

Genes: TTN-AS1 (TTN antisense RNA 1; plus strand), TTN (titin; minus strand). Cytogenetic location: 2q31.2.
Variant type: Deletion.
Coding change: c.61067del on transcript NM_001267550.2 (MANE Select); coding-DNA position 61067, one base deleted (C; older notation c.61067delC).
Protein change: p.Pro20356fs; shifts the reading frame from proline 20356.
Molecular consequence: frameshift variant.
Genome position (GRCh38, 1-based): chr2:178,590,658, G deleted on the plus strand (C on the coding strand, the reverse complement: TTN is on the minus strand); the first of 2 consecutive G bases (chr2:178,590,658-178,590,659); deleting either gives the same sequence. VCF-style (leftmost placement, unchanged base first): chr2-178590657-TG-T. GRCh37 (hg19) VCF-style: chr2-179455384-TG-T.
Other names: c.56144del, p.Pro18715fs (NM_001256850.1); c.33872del, p.Pro11291fs (NM_003319.4); c.53363del, p.Pro17788fs (NM_133378.4); c.34247del, p.Pro11416fs (NM_133432.3); c.34448del, p.Pro11483fs (NM_133437.4); short protein forms P11291fs, P11416fs, P11483fs, P17788fs, P18715fs, P20356fs.
Identifiers: ClinVar variation 3238655 (VCV003238655.3), dbSNP rs2469445278.